The following is an entry in ClinVar:

NM_001378452.1(ITPR1):c.1252-2A>T

Gene: ITPR1 (inositol 1,4,5-trisphosphate receptor type 1; plus strand). Cytogenetic location: 3p26.1.
Variant type: single nucleotide variant.
Coding change: c.1252-2A>T on transcript NM_001378452.1 (MANE Select); the canonical splice acceptor site of the intron before coding-DNA position 1252, A replaced by T.
Molecular consequence: splice acceptor variant.
Genome position (GRCh38, 1-based): chr3:4,662,080, A>T. VCF-style: chr3-4662080-A-T. GRCh37 (hg19) VCF-style: chr3-4703764-A-T.
Other names: c.1252-2A>T (NM_001099952.4); c.1207-2A>T (NM_001168272.2, NM_002222.7).
Identifiers: ClinVar variation 617623 (VCV000617623.2), dbSNP rs1559638068, ClinGen allele CA351640736.
Genomic context (GRCh38, chr3:4,662,080, plus strand): 5'-TGATTAAAGTCTTATCCTTCCCATCCAAGAGATTATCTCACAAGGACCACCTTGAATTTC[A>T]GATTGGCACCTCTCCTGTGAAGGAGGATAAGGAAGCATTTGCCATAGTTCCGGTTTCTCC-3'

ClinVar aggregate classification (germline): Pathogenic (0 of 4 stars; one submission).

Conditions:
Gillespie syndrome (GLSP). Also called: Aniridia-cerebellar ataxia-intellectual disability syndrome; Aniridia, cerebellar ataxia, and mental deficiency. Identifiers: Orphanet 1065, MedGen C0431401, MONDO:0008795, OMIM 206700.

Submission:

The Raphael Recanati Genetics Institute, Rabin Medical Center
Classification: Pathogenic for Gillespie syndrome. Last evaluated: 2018-09-13. Review status: no assertion criteria provided. Collection method: clinical testing. Allele origin: de novo. Affected: yes. Observed: 1 variant allele.
Comment: AD de novo